The following is an entry in ClinVar:

NM_004333.6(BRAF):c.58A>G (p.Asn20Asp)

Gene: BRAF (B-Raf proto-oncogene, serine/threonine kinase; minus strand). Cytogenetic location: 7q34.
Variant type: single nucleotide variant.
Coding change: c.58A>G on transcript NM_004333.6 (MANE Select); coding-DNA position 58, A replaced by G.
Protein change: p.Asn20Asp; replaces asparagine 20 with aspartic acid.
Molecular consequence: missense variant.
Genome position (GRCh38, 1-based): chr7:140,924,646, T>C on the plus strand (A>G on the coding strand, the complement: BRAF is on the minus strand). VCF-style: chr7-140924646-T-C. GRCh37 (hg19) VCF-style: chr7-140624446-T-C.
Other names: c.58A>G, p.Asn20Asp (NM_001354609.2, NM_001374244.1, NM_001374258.1 and 7 more transcripts); c.58A>G (NM_004333.4); short protein forms N20D.
Identifiers: ClinVar variation 1035210 (VCV001035210.8), dbSNP rs1321934224, ClinGen allele CA369590181.
Genomic context (GRCh38, chr7:140,924,646, plus strand): 5'-CCGCAGCCGAAGAGGCCGCGGCGCCGGCGCCGGCGCCGGCCTCGGGCTCCATGTCCCCGT[T>C]GAACAGAGCCTGGCCCGGCTCCGCGCCGCCACCACCGCCACCGCTCAGCGCCGCCATCTT-3'
Protein context (NP_004324.2, residues 10-30): GGAEPGQALF[Asn20Asp]GDMEPEAGAG

ClinVar aggregate classification (germline): Uncertain significance. Review status: criteria provided, multiple submitters, no conflicts (2 of 4 stars). 2 submissions from 2 submitters: Uncertain significance (2). Last evaluated 2022-11-07.

Conditions:
Cardiovascular phenotype. Identifiers: MedGen CN230736.
RASopathy. Also called: rasopathies; Noonan spectrum disorder. Identifiers: Orphanet 536391, MedGen C5555857, MONDO:0021060.

Allele frequency attached by ClinVar (database versions not stated): gnomAD exomes below 0.00001 and 0.00001.
gnomAD v4.1: 1 of 1,453,988 alleles (0.000069%); highest among the groups gnomAD compares: South Asian, 0.0012%; no homozygotes.

Submissions (2):

Ambry Genetics
Classification: Uncertain significance for Cardiovascular phenotype. Last evaluated: 2022-11-07. Review status: criteria provided, single submitter. Criteria: Ambry Variant Classification Scheme 2023. Collection method: clinical testing. Allele origin: germline.
Comment: The p.N20D variant (also known as c.58A>G), located in coding exon 1 of the BRAF gene, results from an A to G substitution at nucleotide position 58. The asparagine at codon 20 is replaced by aspartic acid, an amino acid with highly similar properties. This amino acid position is conserved. In addition, this alteration is predicted to be tolerated by in silico analysis. Since supporting evidence is limited at this time, the clinical significance of this alteration remains unclear.

Labcorp Genetics (formerly Invitae), Labcorp
Classification: Uncertain significance for RASopathy. Last evaluated: 2022-08-10. Review status: criteria provided, single submitter. Criteria: Invitae Variant Classification Sherloc (09022015). Collection method: clinical testing. Allele origin: germline.
Comment: In summary, the available evidence is currently insufficient to determine the role of this variant in disease. Therefore, it has been classified as a Variant of Uncertain Significance. Advanced modeling of protein sequence and biophysical properties (such as structural, functional, and spatial information, amino acid conservation, physicochemical variation, residue mobility, and thermodynamic stability) performed at Invitae indicates that this missense variant is not expected to disrupt BRAF protein function. ClinVar contains an entry for this variant (Variation ID: 1035210). This variant has not been reported in the literature in individuals affected with BRAF-related conditions. The frequency data for this variant in the population databases is considered unreliable, as metrics indicate poor data quality at this position in the gnomAD database. This sequence change replaces asparagine, which is neutral and polar, with aspartic acid, which is acidic and polar, at codon 20 of the BRAF protein (p.Asn20Asp).